The following is an entry in ClinVar:

NM_206933.4(USH2A):c.10830G>A (p.Trp3610Ter)

Gene: USH2A (usherin; minus strand). Cytogenetic location: 1q41.
Variant type: single nucleotide variant.
Coding change: c.10830G>A on transcript NM_206933.4 (MANE Select); coding-DNA position 10830, G replaced by A.
Protein change: p.Trp3610Ter; replaces tryptophan 3610 with a stop codon.
Molecular consequence: nonsense.
Genome position (GRCh38, 1-based): chr1:215,779,952, C>T on the plus strand (G>A on the coding strand, the complement: USH2A is on the minus strand). VCF-style: chr1-215779952-C-T. GRCh37 (hg19) VCF-style: chr1-215953294-C-T.
Other names: short protein forms W3610*.
Identifiers: ClinVar variation 2504820 (VCV002504820.1), dbSNP rs2464383506, ClinGen allele CA344833987.

ClinVar aggregate classification (germline): Pathogenic (1 of 4 stars; one submission).

Submission:

GeneDx
Classification: Pathogenic. Last evaluated: 2022-12-07. Review status: criteria provided, single submitter. Criteria: GeneDx Variant Classification Process June 2021. Collection method: clinical testing. Allele origin: germline. Affected: yes.
Comment: Nonsense variant predicted to result in protein truncation or nonsense mediated decay in a gene for which loss of function is a known mechanism of disease; Not observed at significant frequency in large population cohorts (gnomAD); This variant is associated with the following publications: (PMID: 25834954)